The following is an entry in ClinVar:

ClinVar aggregate classification (germline): Uncertain significance. Review status: criteria provided, multiple submitters, no conflicts (2 of 4 stars). 2 submissions from 2 submitters: Uncertain significance (2). Last evaluated 2025-05-24.

Conditions:
Cardiovascular phenotype. Identifiers: MedGen CN230736.
Brittle cornea syndrome 1 (BCS1). Also called: CORNEAL FRAGILITY, KERATOGLOBUS, BLUE SCLERAE, JOINT HYPEREXTENSIBILITY; EDS6B; FRAGILITAS OCULI WITH JOINT HYPEREXTENSIBILITY; Corneal fragility keratoglobus, blue sclerae AND joint hypermobility; DYSGENESIS MESODERMALIS CORNEAE ET SCLERAE. Identifiers: Orphanet 90354, MedGen C0268344, MONDO:0024543, OMIM 229200.

Allele frequency attached by ClinVar (database versions not stated): gnomAD exomes 0.00001.
gnomAD v4.1: 2 of 1,535,626 alleles (0.00013%); highest among the groups gnomAD compares: Admixed American, 0.004%; no homozygotes.

Submissions (2):

Ambry Genetics
Classification: Uncertain significance for Cardiovascular phenotype. Last evaluated: 2025-05-24. Review status: criteria provided, single submitter. Criteria: Ambry Variant Classification Scheme 2023. Collection method: clinical testing. Allele origin: germline.
Comment: The p.S1133Y variant (also known as c.3398C>A), located in coding exon 2 of the ZNF469 gene, results from a C to A substitution at nucleotide position 3398. The serine at codon 1133 is replaced by tyrosine, an amino acid with dissimilar properties. This amino acid position is conserved. In addition, this alteration is predicted to be tolerated by in silico analysis. Based on the available evidence, the clinical significance of this variant remains unclear.

Baylor Genetics
Classification: Uncertain significance for Brittle cornea syndrome 1. Last evaluated: 2020-02-26. Review status: criteria provided, single submitter. Criteria: ACMG Guidelines, 2015. Collection method: clinical testing. Allele origin: unknown. Affected: yes.
Comment: This variant was determined to be of uncertain significance according to ACMG Guidelines, 2015 [PMID:25741868].

NM_001367624.2(ZNF469):c.3482C>A (p.Ser1161Tyr)

Gene: ZNF469 (zinc finger protein 469; plus strand). Cytogenetic location: 16q24.2.
Variant type: single nucleotide variant.
Coding change: c.3482C>A on transcript NM_001367624.2 (MANE Select); coding-DNA position 3482, C replaced by A.
Protein change: p.Ser1161Tyr; replaces serine 1161 with tyrosine.
Molecular consequence: missense variant.
Genome position (GRCh38, 1-based): chr16:88,430,952, C>A. VCF-style: chr16-88430952-C-A. GRCh37 (hg19) VCF-style: chr16-88497360-C-A.
Other names: NM_001127464.1:c.3398C>A; short protein forms S1161Y.
Identifiers: ClinVar variation 1029103 (VCV001029103.2), dbSNP rs903409672, ClinGen allele CA397084592.